The following is an entry in ClinVar:

NM_001347721.2(DYRK1A):c.-76-1479G>A

Gene: DYRK1A (dual specificity tyrosine phosphorylation regulated kinase 1A; plus strand). Cytogenetic location: 21q22.13.
Variant type: single nucleotide variant.
Coding change: c.-76-1479G>A on transcript NM_001347721.2 (MANE Select); 1479 bases into the intron before 76 bases upstream of the start codon, G replaced by A.
Molecular consequence: intron variant.
Genome position (GRCh38, 1-based): chr21:37,418,820, G>A. VCF-style: chr21-37418820-G-A. GRCh37 (hg19) VCF-style: chr21-38791122-G-A.
Other names: c.-76-1479G>A (NM_001396.5, NM_001347722.2, NM_101395.2); c.-78+51192G>A (NM_001347723.2).
Identifiers: ClinVar variation 671429 (VCV000671429.1), dbSNP rs116906519, ClinGen allele CA320788892.

ClinVar aggregate classification (germline): Likely benign (1 of 4 stars; one submission).

Allele frequency attached by ClinVar (database versions not stated): 1000 Genomes Project 30x 0.00921; 1000 Genomes Project 0.00998; TOPMed 0.01598; gnomAD 0.01726 and 0.01756.

Submission:

GeneDx
Classification: Likely benign. Last evaluated: 2018-06-14. Review status: criteria provided, single submitter. Criteria: GeneDx Variant Classification (06012015). Collection method: clinical testing. Allele origin: germline. Affected: yes.
Comment: This variant is considered likely benign or benign based on one or more of the following criteria: it is a conservative change, it occurs at a poorly conserved position in the protein, it is predicted to be benign by multiple in silico algorithms, and/or has population frequency not consistent with disease.